The following is an entry in ClinVar:

NM_000147.5(FUCA1):c.187C>T (p.His63Tyr)

Gene: FUCA1 (alpha-L-fucosidase 1; minus strand). Cytogenetic location: 1p36.11.
Variant type: single nucleotide variant.
Coding change: c.187C>T on transcript NM_000147.5 (MANE Select); coding-DNA position 187, C replaced by T.
Protein change: p.His63Tyr; replaces histidine 63 with tyrosine.
Molecular consequence: missense variant.
Genome position (GRCh38, 1-based): chr1:23,868,100, G>A on the plus strand (C>T on the coding strand, the complement: FUCA1 is on the minus strand). VCF-style: chr1-23868100-G-A. GRCh37 (hg19) VCF-style: chr1-24194590-G-A.
Other names: short protein forms H63Y.
Identifiers: ClinVar variation 1352717 (VCV001352717.8), dbSNP rs2148450632, ClinGen allele CA339009927.

ClinVar aggregate classification (germline): Uncertain significance (1 of 4 stars; one submission).

Conditions:
Fucosidosis. Also called: ALPHA-L-FUCOSIDASE DEFICIENCY. Identifiers: Orphanet 349, MedGen C0016788, MONDO:0009254, OMIM 230000.

Submission:

Labcorp Genetics (formerly Invitae), Labcorp
Classification: Uncertain significance for Fucosidosis. Last evaluated: 2025-01-06. Review status: criteria provided, single submitter. Criteria: Invitae Variant Classification Sherloc (09022015). Collection method: clinical testing. Allele origin: germline.
Comment: This sequence change replaces histidine, which is basic and polar, with tyrosine, which is neutral and polar, at codon 63 of the FUCA1 protein (p.His63Tyr). This variant is not present in population databases (gnomAD no frequency). This variant has not been reported in the literature in individuals affected with FUCA1-related conditions. ClinVar contains an entry for this variant (Variation ID: 1352717). Invitae Evidence Modeling of protein sequence and biophysical properties (such as structural, functional, and spatial information, amino acid conservation, physicochemical variation, residue mobility, and thermodynamic stability) has been performed for this missense variant. However, the output from this modeling did not meet the statistical confidence thresholds required to predict the impact of this variant on FUCA1 protein function. In summary, the available evidence is currently insufficient to determine the role of this variant in disease. Therefore, it has been classified as a Variant of Uncertain Significance.